The following is an entry in ClinVar:

ClinVar aggregate classification (germline): Conflicting classifications of pathogenicity. Review status: criteria provided, conflicting classifications (1 of 4 stars). 2 submissions from 2 submitters: Uncertain significance (1); Likely benign (1). Last evaluated 2025-07-13.

Conditions:
Hereditary cancer-predisposing syndrome. Also called: Neoplastic Syndromes, Hereditary; Tumor predisposition; Hereditary Cancer Syndrome; Hereditary neoplastic syndrome. Identifiers: Orphanet 140162, MedGen C0027672, MeSH D009386, MONDO:0015356.
Tuberous sclerosis syndrome (TSC). Also called: Tuberous Sclerosis Complex; Tuberous sclerosis. Identifiers: Orphanet 805, MedGen C0041341, MONDO:0001734.

gnomAD v4.1: 1 of 1,598,910 alleles (0.000063%); highest among the groups gnomAD compares: Non-Finnish European, 0.000085%; no homozygotes.

Submissions (2):

Color Diagnostics, LLC DBA Color Health
Classification: Uncertain significance for Tuberous sclerosis syndrome. Last evaluated: 2025-07-13. Review status: criteria provided, single submitter. Criteria: ACMG Guidelines, 2015. Collection method: clinical testing. Allele origin: germline.
Comment: This missense variant replaces leucine with phenylalanine at codon 1480 of the TSC2 protein. Computational prediction is inconclusive regarding the impact of this variant on protein structure and function. To our knowledge, functional studies have not been reported for this variant. This variant has not been reported in individuals affected with TSC2-related disorders in the literature. This variant has not been identified in the general population by the Genome Aggregation Database (gnomAD). The available evidence is insufficient to determine the role of this variant in disease conclusively. Therefore, this variant is classified as a Variant of Uncertain Significance.

Ambry Genetics
Classification: Likely benign for Hereditary cancer-predisposing syndrome. Last evaluated: 2022-03-31. Review status: criteria provided, single submitter. Criteria: Ambry Variant Classification Scheme 2023. Collection method: clinical testing. Allele origin: germline.

NM_000548.5(TSC2):c.4440A>C (p.Leu1480Phe)

Gene: TSC2 (TSC complex subunit 2; plus strand). Cytogenetic location: 16p13.3.
Variant type: single nucleotide variant.
Coding change: c.4440A>C on transcript NM_000548.5 (MANE Select); coding-DNA position 4440, A replaced by C.
Protein change: p.Leu1480Phe; replaces leucine 1480 with phenylalanine.
Molecular consequence: missense variant.
Genome position (GRCh38, 1-based): chr16:2,084,662, A>C. VCF-style: chr16-2084662-A-C. GRCh37 (hg19) VCF-style: chr16-2134663-A-C.
Other names: c.4239A>C, p.Leu1413Phe (NM_001077183.3); c.4371A>C, p.Leu1457Phe (NM_001114382.3); c.4131A>C, p.Leu1377Phe (NM_001318827.2); c.4095A>C, p.Leu1365Phe (NM_001318829.2); c.3708A>C, p.Leu1236Phe (NM_001318831.2); c.4272A>C, p.Leu1424Phe (NM_001318832.2); c.4242A>C, p.Leu1414Phe (NM_001363528.2); c.4308A>C, p.Leu1436Phe (NM_001370404.1); and 26 more; short protein forms L1214F, L1236F, L1280F, L1377F, L1394F, L1414F, L1437F, L1443F.
Identifiers: ClinVar variation 1740623 (VCV001740623.3), dbSNP rs756991335, ClinGen allele CA394302311.